The following is an entry in ClinVar:

NM_007194.4(CHEK2):c.1451C>A (p.Pro484Gln)

Gene: CHEK2 (checkpoint kinase 2; minus strand). Cytogenetic location: 22q12.1.
Variant type: single nucleotide variant.
Coding change: c.1451C>A on transcript NM_007194.4 (MANE Select); coding-DNA position 1451, C replaced by A.
Protein change: p.Pro484Gln; replaces proline 484 with glutamine.
Molecular consequence: missense variant.
Genome position (GRCh38, 1-based): chr22:28,694,042, G>T on the plus strand (C>A on the coding strand, the complement: CHEK2 is on the minus strand). VCF-style: chr22-28694042-G-T. GRCh37 (hg19) VCF-style: chr22-29090030-G-T.
Other names: c.1580C>A, p.Pro527Gln (NM_001005735.3); c.788C>A, p.Pro263Gln (NM_001257387.3); c.1250C>A, p.Pro417Gln (NM_001349956.3); c.1364C>A, p.Pro455Gln (NM_145862.3); short protein forms P455Q, P484Q, P263Q, P417Q, P527Q.
Identifiers: ClinVar variation 1772961 (VCV001772961.3), dbSNP rs564605612, ClinGen allele CA411093972.

ClinVar aggregate classification (germline): Uncertain significance (1 of 4 stars; one submission).

Conditions:
Hereditary cancer-predisposing syndrome. Also called: Hereditary Cancer Syndrome; Hereditary neoplastic syndrome; Neoplastic Syndromes, Hereditary; Tumor predisposition. Identifiers: Orphanet 140162, MedGen C0027672, MeSH D009386, MONDO:0015356.

Submission:

Ambry Genetics
Classification: Uncertain significance for Hereditary cancer-predisposing syndrome. Last evaluated: 2025-10-26. Review status: criteria provided, single submitter. Criteria: Ambry Variant Classification Scheme 2023. Collection method: clinical testing. Allele origin: germline.
Comment: The p.P484Q variant (also known as c.1451C>A), located in coding exon 12 of the CHEK2 gene, results from a C to A substitution at nucleotide position 1451. The proline at codon 484 is replaced by glutamine, an amino acid with similar properties. This amino acid position is conserved. In addition, this alteration is predicted to be deleterious by in silico analysis. Since supporting evidence is limited at this time, the clinical significance of this alteration remains unclear.